The following is an entry in ClinVar:

NM_005445.4(SMC3):c.3535C>G (p.Leu1179Val)

Gene: SMC3 (structural maintenance of chromosomes 3; plus strand). Cytogenetic location: 10q25.2.
Variant type: single nucleotide variant.
Coding change: c.3535C>G on transcript NM_005445.4 (MANE Select); coding-DNA position 3535, C replaced by G.
Protein change: p.Leu1179Val; replaces leucine 1179 with valine.
Molecular consequence: missense variant.
Genome position (GRCh38, 1-based): chr10:110,603,243, C>G. VCF-style: chr10-110603243-C-G. GRCh37 (hg19) VCF-style: chr10-112363001-C-G.
Other names: short protein forms L1179V.
Identifiers: ClinVar variation 3775581 (VCV003775581.1).

ClinVar aggregate classification (germline): Uncertain significance (1 of 4 stars; one submission).

Conditions:
Cornelia de Lange syndrome 3 (CDLS3). Also called: CORNELIA DE LANGE SYNDROME 3 WITH OR WITHOUT MIDLINE BRAIN DEFECTS; SMC3-Related Cornelia de Lange Syndrome. Identifiers: Orphanet 199, MedGen C1853099, MONDO:0012555, OMIM 610759.

Submission:

3billion
Classification: Uncertain significance for Cornelia de Lange syndrome 3. Last evaluated: 2023-10-10. Review status: criteria provided, single submitter. Criteria: ACMG Guidelines, 2015. Collection method: clinical testing. Allele origin: germline. Affected: yes.
Comment: The variant is not observed in the gnomAD v2.1.1 dataset. Predicted Consequence/Location: Missense changes are a common disease-causing mechanism. In silico tool predictions suggest a damaging effect of the variant on the gene or gene product [3Cnet: 0.91 (>=0.6, sensitivity 0.72 and precision 0.9)]. Therefore, this variant is classified as VUS according to the recommendation of ACMG/AMP guideline.